The following is an entry in ClinVar:

ClinVar aggregate classification (germline): Uncertain significance (1 of 4 stars; one submission).

Conditions:
Anterior segment dysgenesis. Also called: Ocular anterior segment dysgenesis. Identifiers: Orphanet 88632, MedGen C1862839, MONDO:0019503, HP:0007700.
Congenital primary aphakia. Also called: Anterior segment dysgenesis 2, multiple subtypes; ANTERIOR SEGMENT DYSGENESIS 2. Identifiers: Orphanet 83461, MedGen C1853230, MONDO:0012456, OMIM 610256.

Submission:

Labcorp Genetics (formerly Invitae), Labcorp
Classification: Uncertain significance for Anterior segment dysgenesis; Congenital primary aphakia. Last evaluated: 2025-12-26. Review status: criteria provided, single submitter. Criteria: Invitae Variant Classification Sherloc (09022015). Collection method: clinical testing. Allele origin: germline.
Comment: This sequence change affects codon 281 of the FOXE3 mRNA. It is a 'silent' change, meaning that it does not change the encoded amino acid sequence of the FOXE3 protein. The frequency data for this variant in the population databases is considered unreliable, as metrics indicate poor data quality at this position in the gnomAD database. This variant has not been reported in the literature in individuals affected with FOXE3-related conditions. In summary, the available evidence is currently insufficient to determine the role of this variant in disease. Therefore, it has been classified as a Variant of Uncertain Significance.

NM_012186.3(FOXE3):c.843G>A (p.Leu281=)

Genes: FOXE3 (forkhead box E3; plus strand), LINC01389 (long independently transcribed non-coding RNA 1389; minus strand). Cytogenetic location: 1p33.
Variant type: single nucleotide variant.
Coding change: c.843G>A on transcript NM_012186.3 (MANE Select); coding-DNA position 843, G replaced by A.
Protein change: p.Leu281=; no amino-acid change (leucine 281 retained).
Molecular consequence: synonymous variant.
Genome position (GRCh38, 1-based): chr1:47,417,158, G>A. VCF-style: chr1-47417158-G-A. GRCh37 (hg19) VCF-style: chr1-47882830-G-A.
Identifiers: ClinVar variation 4782519 (VCV004782519.1).